The following is an entry in ClinVar:

ClinVar aggregate classification (germline): Uncertain significance (1 of 4 stars; one submission).

gnomAD v4.1: 6 of 1,607,142 alleles (0.00037%); highest among the groups gnomAD compares: African/African-American, 0.0067%; no homozygotes.

Submission:

Labcorp Genetics (formerly Invitae), Labcorp
Classification: Uncertain significance. Last evaluated: 2024-10-25. Review status: criteria provided, single submitter. Criteria: Invitae Variant Classification Sherloc (09022015). Collection method: clinical testing. Allele origin: germline.
Comment: This sequence change replaces phenylalanine, which is neutral and non-polar, with leucine, which is neutral and non-polar, at codon 2556 of the CDH23 protein (p.Phe2556Leu). The frequency data for this variant in the population databases is considered unreliable, as metrics indicate poor data quality at this position in the gnomAD database. This variant has not been reported in the literature in individuals affected with CDH23-related conditions. Invitae Evidence Modeling of protein sequence and biophysical properties (such as structural, functional, and spatial information, amino acid conservation, physicochemical variation, residue mobility, and thermodynamic stability) has been performed for this missense variant. However, the output from this modeling did not meet the statistical confidence thresholds required to predict the impact of this variant on CDH23 protein function. In summary, the available evidence is currently insufficient to determine the role of this variant in disease. Therefore, it has been classified as a Variant of Uncertain Significance.

NM_022124.6(CDH23):c.7666T>C (p.Phe2556Leu)

Gene: CDH23 (cadherin related 23; plus strand). Cytogenetic location: 10q22.1.
Variant type: single nucleotide variant.
Coding change: c.7666T>C on transcript NM_022124.6 (MANE Select); coding-DNA position 7666, T replaced by C.
Protein change: p.Phe2556Leu; replaces phenylalanine 2556 with leucine.
Molecular consequence: missense variant.
Genome position (GRCh38, 1-based): chr10:71,803,214, T>C. VCF-style: chr10-71803214-T-C. GRCh37 (hg19) VCF-style: chr10-73562971-T-C.
Other names: c.946T>C, p.Phe316Leu (NM_001171933.1, NM_001171934.1); short protein forms F2556L, F316L.
Identifiers: ClinVar variation 3706161 (VCV003706161.2).